The following is an entry in ClinVar:

ClinVar aggregate classification (germline): Conflicting classifications of pathogenicity. Review status: criteria provided, conflicting classifications (1 of 4 stars). 4 submissions from 4 submitters: Uncertain significance (3); Likely benign (1). Last evaluated 2025-08-18.

Conditions:
Rhabdoid tumor predisposition syndrome 2 (RTPS2). Identifiers: Orphanet 231108, Orphanet 69077, MedGen C2750074, MONDO:0013224, OMIM 613325.
Intellectual disability, autosomal dominant 16 (CSS4). Also called: COFFIN-SIRIS SYNDROME 4. Identifiers: Orphanet 1465, MedGen C3553249, MONDO:0013821, OMIM 614609.
SMARCA4-related disorder. Also called: SMARCA4-related condition.

gnomAD v4.1: 5 of 1,559,430 alleles (0.00032%); highest among the groups gnomAD compares: South Asian, 0.0012%; no homozygotes.

Submissions (4):

Labcorp Genetics (formerly Invitae), Labcorp
Classification: Likely benign for Rhabdoid tumor predisposition syndrome 2. Last evaluated: 2025-08-18. Review status: criteria provided, single submitter. Criteria: Invitae Variant Classification Sherloc (09022015). Collection method: clinical testing. Allele origin: germline.

PreventionGenetics, part of Exact Sciences
Classification: Uncertain significance for SMARCA4-related condition. Last evaluated: 2023-08-18. Review status: criteria provided, single submitter. Criteria: ACMG Guidelines, 2015. Collection method: clinical testing. Allele origin: germline.
Comment: The SMARCA4 c.4732-10C>A variant is predicted to interfere with splicing. To our knowledge, this variant has not been reported in the literature or in a large population database, indicating this variant is rare. It is interpreted as uncertain significance in ClinVar. At this time, the clinical significance of this variant is uncertain due to the absence of conclusive functional and genetic evidence.

Baylor Genetics
Classification: Uncertain significance for Rhabdoid tumor predisposition syndrome 2. Last evaluated: 2023-07-25. Review status: criteria provided, single submitter. Criteria: ACMG Guidelines, 2015. Collection method: clinical testing. Allele origin: unknown.

Fulgent Genetics
Classification: Uncertain significance for Rhabdoid tumor predisposition syndrome 2; Intellectual disability, autosomal dominant 16. Last evaluated: 2021-07-27. Review status: criteria provided, single submitter. Criteria: ACMG Guidelines, 2015. Collection method: clinical testing. Allele origin: unknown.

NM_003072.5(SMARCA4):c.4636-10C>A

Gene: SMARCA4 (SWI/SNF related BAF chromatin remodeling complex subunit ATPase 4; plus strand). Cytogenetic location: 19p13.2.
Variant type: single nucleotide variant.
Coding change: c.4636-10C>A on transcript NM_003072.5 (MANE Select); 10 bases into the intron before coding-DNA position 4636, C replaced by A.
Molecular consequence: intron variant.
Genome position (GRCh38, 1-based): chr19:11,059,743, C>A. VCF-style: chr19-11059743-C-A. GRCh37 (hg19) VCF-style: chr19-11170419-C-A.
Other names: c.4636-10C>A (NM_001128844.3); c.4732-10C>A (NM_001128849.3, NM_001387283.1); c.4537-10C>A (NM_001128847.4, NM_001374457.1); c.4546-10C>A (NM_001128845.2); c.4543-10C>A (NM_001128846.2); c.4534-10C>A (NM_001128848.2).
Identifiers: ClinVar variation 537794 (VCV000537794.13), dbSNP rs878854228, ClinGen allele CA658799146.